The following is an entry in ClinVar:

ClinVar aggregate classification (germline): Pathogenic (1 of 4 stars; one submission).

Conditions:
Charcot-Marie-Tooth disease type 2. Also called: Charcot-Marie-Tooth type 2. Identifiers: Orphanet 64746, MedGen C0270914, MONDO:0018993.

Allele frequency attached by ClinVar (database versions not stated): gnomAD exomes below 0.00001.
gnomAD v4.1: 1 of 1,614,160 alleles (0.000062%); highest among the groups gnomAD compares: Non-Finnish European, 0.000085%; no homozygotes.

Submission:

Labcorp Genetics (formerly Invitae), Labcorp
Classification: Pathogenic for Charcot-Marie-Tooth disease type 2. Last evaluated: 2023-06-30. Review status: criteria provided, single submitter. Criteria: Invitae Variant Classification Sherloc (09022015). Collection method: clinical testing. Allele origin: germline.
Comment: This sequence change creates a premature translational stop signal (p.Glu346*) in the MFN2 gene. It is expected to result in an absent or disrupted protein product. Loss-of-function variants in MFN2 are known to be pathogenic (PMID: 16714318, 16835246, 21715711, 23781337, 26955893). This variant is not present in population databases (gnomAD no frequency). This variant has not been reported in the literature in individuals affected with MFN2-related conditions. ClinVar contains an entry for this variant (Variation ID: 2421749). Algorithms developed to predict the effect of sequence changes on RNA splicing suggest that this variant may disrupt the consensus splice site. For these reasons, this variant has been classified as Pathogenic.

Literature cited by the submitters: PubMed 16714318; PubMed 16835246; PubMed 21715711; PubMed 23781337; PubMed 26955893.

NM_014874.4(MFN2):c.1036G>T (p.Glu346Ter)

Gene: MFN2 (mitofusin 2; plus strand). Cytogenetic location: 1p36.22.
Variant type: single nucleotide variant.
Coding change: c.1036G>T on transcript NM_014874.4 (MANE Select); coding-DNA position 1036, G replaced by T.
Protein change: p.Glu346Ter; replaces glutamic acid 346 with a stop codon.
Molecular consequence: nonsense.
Genome position (GRCh38, 1-based): chr1:12,001,834, G>T. VCF-style: chr1-12001834-G-T. GRCh37 (hg19) VCF-style: chr1-12061891-G-T.
Other names: c.1036G>T, p.Glu346Ter (NM_001127660.2); short protein forms E346*.
Identifiers: ClinVar variation 2421749 (VCV002421749.6), dbSNP rs2523057920, ClinGen allele CA338442486.